The following is an entry in ClinVar:

NM_145239.3(PRRT2):c.644C>G (p.Pro215Arg)

Genes: MVP-DT (MVP divergent transcript; minus strand), PRRT2 (proline rich transmembrane protein 2; plus strand). Cytogenetic location: 16p11.2.
Variant type: single nucleotide variant.
Coding change: c.644C>G on transcript NM_145239.3 (MANE Select); coding-DNA position 644, C replaced by G.
Protein change: p.Pro215Arg; replaces proline 215 with arginine.
Molecular consequence: missense variant.
Genome position (GRCh38, 1-based): chr16:29,813,698, C>G. VCF-style: chr16-29813698-C-G. GRCh37 (hg19) VCF-style: chr16-29825019-C-G.
Other names: p.P215R:CCC>CGC; c.644C>G, p.Pro215Arg (NM_001256442.2, NM_001256443.2); c.644C>G (NM_001256442.1); short protein forms P215R.
Identifiers: ClinVar variation 206688 (VCV000206688.45), dbSNP rs200926711, ClinGen allele CA317029.

ClinVar aggregate classification (germline): Benign/Likely benign. Review status: criteria provided, multiple submitters, no conflicts (2 of 4 stars). 9 submissions from 9 submitters: Benign (3); Likely benign (5). 1 of the submissions does not count toward it. Last evaluated 2026-07-01.

Conditions:
PRRT2-Related Disorder. Also called: PRRT2-related disorders. Identifiers: MedGen CN381059.
Inborn genetic diseases. Identifiers: MedGen C0950123, MeSH D030342.
Seizures, benign familial infantile, 2 (BFIS2). Also called: CONVULSIONS, BENIGN FAMILIAL INFANTILE, 2. Identifiers: Orphanet 306, MedGen C1853995, MONDO:0011593, OMIM 605751.
Episodic kinesigenic dyskinesia 1 (EKD1). Also called: Dystonia 10; DYSTONIA, FAMILIAL PAROXYSMAL; PAROXYSMAL KINESIGENIC CHOREOATHETOSIS; PRRT2-Related Paroxysmal Kinesigenic Dyskinesia (PKD); PxMD-PRRT2. Identifiers: Orphanet 98809, MedGen C4552000, MONDO:0100352, OMIM 128200, MONDO:0007494.
Infantile convulsions and choreoathetosis (ICCA). Also called: PAROXYSMAL KINESIGENIC DYSKINESIA WITH INFANTILE CONVULSIONS; PRRT2-Related Paroxysmal Kinesigenic Dyskinesia with Infantile Convulsions (PKD/IC). Identifiers: Orphanet 31709, MedGen C1865926, MONDO:0011178, OMIM 602066.
Episodic kinesigenic dyskinesia (EKD). Also called: Paroxysmal kinesigenic dyskinesia. Identifiers: Orphanet 98809, MedGen C1868682, MONDO:0044202.

Allele frequency attached by ClinVar (database versions not stated): ESP Exome Variant Server 0.00031; gnomAD 0.00039 and 0.00046; 1000 Genomes Project 30x 0.00062; TOPMed 0.00071; ExAC 0.00078; 1000 Genomes Project 0.00080; gnomAD exomes 0.00084.
gnomAD v4.1: 619 of 1,575,196 alleles (0.039%); highest among the groups gnomAD compares: Middle Eastern, 0.56%; 6 homozygotes.

Submissions (9):

CeGaT Center for Human Genetics Tuebingen
Classification: Likely benign. Last evaluated: 2026-07-01. Review status: criteria provided, single submitter. Criteria: CeGaT Center For Human Genetics Tuebingen Variant Classification Criteria Version 2. Collection method: clinical testing. Allele origin: germline. Affected: yes. Observed: 5 variant alleles.
Comment: PRRT2: BS1

Labcorp Genetics (formerly Invitae), Labcorp
Classification: Benign for Episodic kinesigenic dyskinesia. Last evaluated: 2026-02-03. Review status: criteria provided, single submitter. Criteria: Invitae Variant Classification Sherloc (09022015). Collection method: clinical testing. Allele origin: germline.

Genomic Medicine Center of Excellence, King Faisal Specialist Hospital and Research Centre
Classification: Likely benign. Last evaluated: 2025-08-18. Review status: criteria provided, single submitter. Criteria: ACMG Guidelines, 2015. Collection method: clinical testing. Allele origin: germline.

Mayo Clinic Laboratories, Mayo Clinic
Classification: Benign. Last evaluated: 2025-08-06. Review status: criteria provided, single submitter. Criteria: ACMG Guidelines, 2015. Collection method: clinical testing. Allele origin: germline. Observed: 3 variant alleles.
Comment: BA1, BS2, BP4

Blueprint Genetics
Classification: Likely benign. Last evaluated: 2024-11-14. Review status: criteria provided, single submitter. Criteria: ACMG Guidelines, 2015. Collection method: clinical testing. Allele origin: germline.

Fulgent Genetics
Classification: Likely benign for Episodic kinesigenic dyskinesia 1; Infantile convulsions and choreoathetosis; Seizures, benign familial infantile, 2. Last evaluated: 2021-10-12. Review status: criteria provided, single submitter. Criteria: ACMG Guidelines, 2015. Collection method: clinical testing. Allele origin: unknown.

GeneDx
Classification: Benign. Last evaluated: 2019-10-28. Review status: criteria provided, single submitter. Criteria: GeneDx Variant Classification Process June 2021. Collection method: clinical testing. Allele origin: germline. Affected: yes.
Comment: This variant is associated with the following publications: (PMID: 23077024, 22243967, 23566103, 31124310, 24594579)

Ambry Genetics
Classification: Likely benign for Inborn genetic diseases. Last evaluated: 2018-05-02. Review status: criteria provided, single submitter. Criteria: Ambry Variant Classification Scheme 2023. Collection method: clinical testing. Allele origin: germline.

PreventionGenetics, part of Exact Sciences
Classification: Likely benign for PRRT2-related condition. Last evaluated: 2020-10-23. Review status: no assertion criteria provided. Collection method: clinical testing. Allele origin: germline. Not counted in ClinVar's aggregate classification.
Comment: This variant is classified as likely benign based on ACMG/AMP sequence variant interpretation guidelines (Richards et al. 2015 PMID: 25741868, with internal and published modifications).

Literature cited by the submitters: PubMed 22243967 (cited by Mayo Clinic Laboratories, Mayo Clinic); PubMed 23077024 (cited by Mayo Clinic Laboratories, Mayo Clinic and Ambry Genetics); PubMed 31124310 (cited by Mayo Clinic Laboratories, Mayo Clinic); PubMed 23566103 (cited by Ambry Genetics); PubMed 24594579 (cited by Ambry Genetics).